The following is an entry in ClinVar:

ClinVar aggregate classification (germline): Uncertain significance (1 of 4 stars; one submission).

Conditions:
Primary ciliary dyskinesia. Also called: Ciliary dyskinesia. Identifiers: Orphanet 244, MedGen C0008780, MONDO:0016575, HP:0012265.

Submission:

Labcorp Genetics (formerly Invitae), Labcorp
Classification: Uncertain significance for Primary ciliary dyskinesia. Last evaluated: 2022-05-30. Review status: criteria provided, single submitter. Criteria: Invitae Variant Classification Sherloc (09022015). Collection method: clinical testing. Allele origin: germline.
Comment: In summary, the available evidence is currently insufficient to determine the role of this variant in disease. Therefore, it has been classified as a Variant of Uncertain Significance. Algorithms developed to predict the effect of sequence changes on RNA splicing suggest that this variant may disrupt the consensus splice site. This variant has not been reported in the literature in individuals affected with DNAH11-related conditions. This variant is not present in population databases (gnomAD no frequency). This sequence change falls in intron 46 of the DNAH11 gene. It does not directly change the encoded amino acid sequence of the DNAH11 protein.

NM_001277115.2(DNAH11):c.7646-60_7646-11del

Gene: DNAH11 (dynein axonemal heavy chain 11; plus strand). Cytogenetic location: 7p15.3.
Variant type: Deletion.
Coding change: c.7646-60_7646-11del on transcript NM_001277115.2 (MANE Select); 60 bases into the intron before coding-DNA position 7646 through 11 bases into the intron before coding-DNA position 7646, 50 bases deleted.
Molecular consequence: intron variant.
Genome position (GRCh38, 1-based): chr7:21,738,641-21,738,690, 50 bases deleted. GRCh37 (hg19): chr7:21,778,259-21,778,308.
Identifiers: ClinVar variation 2001026 (VCV002001026.4), dbSNP rs2535095441, ClinGen allele CA2580076970.